The following is an entry in ClinVar:

NM_000382.3(ALDH3A2):c.565G>A (p.Val189Ile)

Gene: ALDH3A2 (aldehyde dehydrogenase 3 family member A2; plus strand). Cytogenetic location: 17p11.2.
Variant type: single nucleotide variant.
Coding change: c.565G>A on transcript NM_000382.3 (MANE Select); coding-DNA position 565, G replaced by A.
Protein change: p.Val189Ile; replaces valine 189 with isoleucine.
Molecular consequence: missense variant. On other transcripts: 5 prime UTR variant (1).
Genome position (GRCh38, 1-based): chr17:19,656,459, G>A. VCF-style: chr17-19656459-G-A. GRCh37 (hg19) VCF-style: chr17-19559772-G-A.
Other names: c.565G>A, p.Val189Ile (NM_001031806.2, NM_001369136.1, NM_001369137.2 and 3 more transcripts); c.-15G>A (NM_001369148.2); short protein forms V189I.
Identifiers: ClinVar variation 1970400 (VCV001970400.4), dbSNP rs2084898379, ClinGen allele CA398706435.

ClinVar aggregate classification (germline): Uncertain significance (1 of 4 stars; one submission).

Allele frequency attached by ClinVar (database versions not stated): gnomAD exomes below 0.00001; gnomAD 0.00001; TOPMed 0.00001.
gnomAD v4.1: 3 of 1,614,058 alleles (0.00019%); highest among the groups gnomAD compares: African/African-American, 0.0013%; no homozygotes.

Submission:

Labcorp Genetics (formerly Invitae), Labcorp
Classification: Uncertain significance. Last evaluated: 2024-10-23. Review status: criteria provided, single submitter. Criteria: Invitae Variant Classification Sherloc (09022015). Collection method: clinical testing. Allele origin: germline.
Comment: This sequence change replaces valine, which is neutral and non-polar, with isoleucine, which is neutral and non-polar, at codon 189 of the ALDH3A2 protein (p.Val189Ile). This variant is not present in population databases (gnomAD no frequency). This variant has not been reported in the literature in individuals affected with ALDH3A2-related conditions. ClinVar contains an entry for this variant (Variation ID: 1970400). Invitae Evidence Modeling of protein sequence and biophysical properties (such as structural, functional, and spatial information, amino acid conservation, physicochemical variation, residue mobility, and thermodynamic stability) has been performed for this missense variant. However, the output from this modeling did not meet the statistical confidence thresholds required to predict the impact of this variant on ALDH3A2 protein function. In summary, the available evidence is currently insufficient to determine the role of this variant in disease. Therefore, it has been classified as a Variant of Uncertain Significance.